The following is an entry in ClinVar:

NM_016599.5(MYOZ2):c.581G>A (p.Gly194Asp)

Gene: MYOZ2 (myozenin 2; plus strand). Cytogenetic location: 4q26.
Variant type: single nucleotide variant.
Coding change: c.581G>A on transcript NM_016599.5 (MANE Select); coding-DNA position 581, G replaced by A.
Protein change: p.Gly194Asp; replaces glycine 194 with aspartic acid.
Molecular consequence: missense variant.
Genome position (GRCh38, 1-based): chr4:119,185,986, G>A. VCF-style: chr4-119185986-G-A. GRCh37 (hg19) VCF-style: chr4-120107141-G-A.
Other names: short protein forms G194D.
Identifiers: ClinVar variation 643272 (VCV000643272.6), dbSNP rs1578374252, ClinGen allele CA358201400.

ClinVar aggregate classification (germline): Uncertain significance. Review status: criteria provided, multiple submitters, no conflicts (2 of 4 stars). 2 submissions from 2 submitters: Uncertain significance (2). Last evaluated 2026-01-02.

Conditions:
Cardiovascular phenotype. Identifiers: MedGen CN230736.
Hypertrophic cardiomyopathy. Also called: HYPERTROPHIC MYOCARDIOPATHY. Identifiers: Orphanet 217569, MedGen C0007194, MeSH D002312, MONDO:0005045, HP:0001639.

Submissions (2):

Ambry Genetics
Classification: Uncertain significance for Cardiovascular phenotype. Last evaluated: 2026-01-02. Review status: criteria provided, single submitter. Criteria: Ambry Variant Classification Scheme 2023. Collection method: clinical testing. Allele origin: germline.
Comment: The p.G194D variant (also known as c.581G>A), located in coding exon 5 of the MYOZ2 gene, results from a G to A substitution at nucleotide position 581. The glycine at codon 194 is replaced by aspartic acid, an amino acid with similar properties. This amino acid position is conserved. In addition, this alteration is predicted to be deleterious by in silico analysis. Based on the available evidence, the clinical significance of this variant remains unclear.

Labcorp Genetics (formerly Invitae), Labcorp
Classification: Uncertain significance for Hypertrophic cardiomyopathy. Last evaluated: 2018-09-27. Review status: criteria provided, single submitter. Criteria: Invitae Variant Classification Sherloc (09022015). Collection method: clinical testing. Allele origin: germline.
Comment: In summary, the available evidence is currently insufficient to determine the role of this variant in disease. Therefore, it has been classified as a Variant of Uncertain Significance. Algorithms developed to predict the effect of missense changes on protein structure and function are either unavailable or do not agree on the potential impact of this missense change (SIFT: "Deleterious"; PolyPhen-2: "Probably Damaging"; Align-GVGD: "Class C0"). This variant has not been reported in the literature in individuals with MYOZ2-related disease. This variant is not present in population databases (ExAC no frequency). This sequence change replaces glycine with aspartic acid at codon 194 of the MYOZ2 protein (p.Gly194Asp). The glycine residue is highly conserved and there is a moderate physicochemical difference between glycine and aspartic acid.